The following is an entry in ClinVar:

NM_003242.6(TGFBR2):c.54G>C (p.Thr18=)

Gene: TGFBR2 (transforming growth factor beta receptor 2; plus strand). Cytogenetic location: 3p24.1.
Variant type: single nucleotide variant.
Coding change: c.54G>C on transcript NM_003242.6 (MANE Select); coding-DNA position 54, G replaced by C.
Protein change: p.Thr18=; no amino-acid change (threonine 18 retained).
Molecular consequence: synonymous variant. On other transcripts: 5 prime UTR variant (4), intron variant (2).
Genome position (GRCh38, 1-based): chr3:30,606,937, G>C. VCF-style: chr3-30606937-G-C. GRCh37 (hg19) VCF-style: chr3-30648429-G-C.
Other names: c.54G>C, p.Thr18= (NM_001024847.3, NM_001407126.1, NM_001407127.1 and 4 more transcripts); c.-230G>C (NM_001407133.1); c.-108G>C (NM_001407134.1); c.-155G>C (NM_001407135.1); c.-240G>C (NM_001407136.1); c.-12+344G>C (NM_001407129.1, NM_001407132.1); c.54G>C (NM_003242.5).
Identifiers: ClinVar variation 1133135 (VCV001133135.10), dbSNP rs139456857, ClinGen allele CA049213.

ClinVar aggregate classification (germline): Conflicting classifications of pathogenicity. Review status: criteria provided, conflicting classifications (1 of 4 stars). 4 submissions from 4 submitters: Uncertain significance (1); Likely benign (3). Last evaluated 2026-01-12.

Conditions:
Loeys-Dietz syndrome 2 (LDS2). Also called: AORTIC ANEURYSM, FAMILIAL THORACIC 3; MARFAN SYNDROME, TYPE II; Marfan syndrome, type 2 (formerly); TGFBR2-Related Loeys-Dietz Syndrome; Marfan Syndrome type 2; Marfan like connective tissue disorder. Identifiers: Orphanet 284973, Orphanet 558, MedGen C2674574, MONDO:0012427, OMIM 610168.
Familial thoracic aortic aneurysm and aortic dissection (TAAD). Also called: Thoracic aortic aneurysms and dissections. Identifiers: Orphanet 91387, MedGen C4707243, MONDO:0019625.

Allele frequency attached by ClinVar (database versions not stated): gnomAD exomes 0.00001; ExAC 0.00004; ESP Exome Variant Server 0.00008.
gnomAD v4.1: 7 of 1,602,070 alleles (0.00044%); highest among the groups gnomAD compares: African/African-American, 0.0067%; no homozygotes.

Submissions (4):

Labcorp Genetics (formerly Invitae), Labcorp
Classification: Likely benign for Familial thoracic aortic aneurysm and aortic dissection. Last evaluated: 2026-01-12. Review status: criteria provided, single submitter. Criteria: Invitae Variant Classification Sherloc (09022015). Collection method: clinical testing. Allele origin: germline.

Color Diagnostics, LLC DBA Color Health
Classification: Likely benign for Familial thoracic aortic aneurysm and aortic dissection. Last evaluated: 2025-07-07. Review status: criteria provided, single submitter. Criteria: ACMG Guidelines, 2015. Collection method: clinical testing. Allele origin: germline.

All of Us Research Program, National Institutes of Health
Classification: Uncertain significance for Loeys-Dietz syndrome 2. Last evaluated: 2023-11-20. Review status: criteria provided, single submitter. Criteria: ACMG Guidelines, 2015. Collection method: clinical testing. Allele origin: germline. Inheritance: Autosomal dominant inheritance. Observed: 1 variant allele, 1 heterozygote.
Comment: This variant is located in the TGFBR2 protein. To our knowledge, functional studies have not been reported for this variant. This variant has not been reported in individuals affected with TGFBR2-related disorders in the literature. This variant has been identified in 3/255498 chromosomes in the general population by the Genome Aggregation Database (gnomAD). The available evidence is insufficient to determine the role of this variant in disease conclusively. Therefore, this variant is classified as a Variant of Uncertain Significance.

This study involves interpretation of variants in research participants for the purpose of population health screening. Participant phenotype was not available at the time of variant classification. Additional details can be found in publication PMID: 35346344, PMCID: PMC8962531

Ambry Genetics
Classification: Likely benign for Familial thoracic aortic aneurysm and aortic dissection. Last evaluated: 2023-09-18. Review status: criteria provided, single submitter. Criteria: Ambry Variant Classification Scheme 2023. Collection method: clinical testing. Allele origin: germline.